The following is an entry in ClinVar:

ClinVar aggregate classification (germline): Uncertain significance (1 of 4 stars; one submission).

gnomAD v4.1: 5 of 1,610,310 alleles (0.00031%); highest among the groups gnomAD compares: Non-Finnish European, 0.00042%; no homozygotes.

Submission:

GeneDx
Classification: Uncertain significance. Last evaluated: 2024-06-24. Review status: criteria provided, single submitter. Criteria: GeneDx Variant Classification Process June 2021. Collection method: clinical testing. Allele origin: germline. Affected: yes.
Comment: Not observed at significant frequency in large population cohorts (gnomAD); In silico analysis supports that this missense variant has a deleterious effect on protein structure/function; Has not been previously published as pathogenic or benign to our knowledge

NM_032119.4(ADGRV1):c.3608A>G (p.Tyr1203Cys)

Gene: ADGRV1 (adhesion G protein-coupled receptor V1; plus strand). Cytogenetic location: 5q14.3.
Variant type: single nucleotide variant.
Coding change: c.3608A>G on transcript NM_032119.4 (MANE Select); coding-DNA position 3608, A replaced by G.
Protein change: p.Tyr1203Cys; replaces tyrosine 1203 with cysteine.
Molecular consequence: missense variant. On other transcripts: non-coding transcript variant (1).
Genome position (GRCh38, 1-based): chr5:90,652,537, A>G. VCF-style: chr5-90652537-A-G. GRCh37 (hg19) VCF-style: chr5-89948354-A-G.
Other names: short protein forms Y1203C.
Identifiers: ClinVar variation 3392672 (VCV003392672.1).